The following is an entry in ClinVar:

NM_014009.4(FOXP3):c.938G>T (p.Trp313Leu)

Gene: FOXP3 (forkhead box P3; minus strand). Cytogenetic location: Xp11.23.
Variant type: single nucleotide variant.
Coding change: c.938G>T on transcript NM_014009.4 (MANE Select); coding-DNA position 938, G replaced by T.
Protein change: p.Trp313Leu; replaces tryptophan 313 with leucine.
Molecular consequence: missense variant.
Genome position (GRCh38, 1-based): chrX:49,253,946, C>A on the plus strand (G>T on the coding strand, the complement: FOXP3 is on the minus strand). VCF-style: chrX-49253946-C-A. GRCh37 (hg19) VCF-style: chrX-49110407-C-A.
Other names: c.833G>T, p.Trp278Leu (NM_001114377.2); short protein forms W278L, W313L.
Identifiers: ClinVar variation 2112855 (VCV002112855.4), dbSNP rs2519189530, ClinGen allele CA412950587.

ClinVar aggregate classification (germline): Uncertain significance (1 of 4 stars; one submission).

Conditions:
Insulin-dependent diabetes mellitus secretory diarrhea syndrome (IPEX). Also called: Immunodysregulation, polyendocrinopathy, and enteropathy, X-linked; IPEX and IPEX-Like; DIABETES MELLITUS, CONGENITAL INSULIN-DEPENDENT, WITH FATAL SECRETORY DIARRHEA; DIARRHEA, POLYENDOCRINOPATHY, FATAL INFECTION SYNDROME, X-LINKED; X-Linked Autoimmunity-Allergic Dysregulation Syndrome; ENTEROPATHY, AUTOIMMUNE, WITH HEMOLYTIC ANEMIA AND POLYENDOCRINOPATHY. Identifiers: Orphanet 37042, MedGen C0342288, MONDO:0010580, OMIM 304790. Disease mechanism: loss of function.

Submission:

Labcorp Genetics (formerly Invitae), Labcorp
Classification: Uncertain significance for Insulin-dependent diabetes mellitus secretory diarrhea syndrome. Last evaluated: 2024-02-04. Review status: criteria provided, single submitter. Criteria: Invitae Variant Classification Sherloc (09022015). Collection method: clinical testing. Allele origin: germline.
Comment: This sequence change replaces tryptophan, which is neutral and slightly polar, with leucine, which is neutral and non-polar, at codon 313 of the FOXP3 protein (p.Trp313Leu). This variant is not present in population databases (gnomAD no frequency). This variant has not been reported in the literature in individuals affected with FOXP3-related conditions. ClinVar contains an entry for this variant (Variation ID: 2112855). Advanced modeling of protein sequence and biophysical properties (such as structural, functional, and spatial information, amino acid conservation, physicochemical variation, residue mobility, and thermodynamic stability) performed at Invitae indicates that this missense variant is not expected to disrupt FOXP3 protein function with a negative predictive value of 80%. In summary, the available evidence is currently insufficient to determine the role of this variant in disease. Therefore, it has been classified as a Variant of Uncertain Significance.